The following is an entry in ClinVar:

NM_020778.5(ALPK3):c.1410G>T (p.Leu470Phe)

Gene: ALPK3 (alpha kinase 3; plus strand). Cytogenetic location: 15q25.3.
Variant type: single nucleotide variant.
Coding change: c.1410G>T on transcript NM_020778.5 (MANE Select); coding-DNA position 1410, G replaced by T.
Protein change: p.Leu470Phe; replaces leucine 470 with phenylalanine.
Molecular consequence: missense variant.
Genome position (GRCh38, 1-based): chr15:84,840,689, G>T. VCF-style: chr15-84840689-G-T. GRCh37 (hg19) VCF-style: chr15-85383920-G-T.
Other names: short protein forms L470F.
Identifiers: ClinVar variation 2788930 (VCV002788930.3), dbSNP rs962765876, ClinGen allele CA273666388.

ClinVar aggregate classification (germline): Uncertain significance (1 of 4 stars; one submission).

Allele frequency attached by ClinVar (database versions not stated): gnomAD 0.00001; TOPMed 0.00001.
gnomAD v4.1: 2 of 1,606,736 alleles (0.00012%); highest among the groups gnomAD compares: Non-Finnish European, 0.000085%; no homozygotes.

Submission:

Labcorp Genetics (formerly Invitae), Labcorp
Classification: Uncertain significance. Last evaluated: 2025-10-10. Review status: criteria provided, single submitter. Criteria: Invitae Variant Classification Sherloc (09022015). Collection method: clinical testing. Allele origin: germline.
Comment: This sequence change replaces leucine, which is neutral and non-polar, with phenylalanine, which is neutral and non-polar, at codon 672 of the ALPK3 protein (p.Leu672Phe). This variant is not present in population databases (gnomAD no frequency). This variant has not been reported in the literature in individuals affected with ALPK3-related conditions. ClinVar contains an entry for this variant (Variation ID: 2788930). An algorithm developed to predict the effect of missense changes on protein structure and function outputs the following: PolyPhen-2: "Benign". The phenylalanine amino acid residue is found in multiple mammalian species, which suggests that this missense change does not adversely affect protein function. In summary, the available evidence is currently insufficient to determine the role of this variant in disease. Therefore, it has been classified as a Variant of Uncertain Significance.